The following is an entry in ClinVar:

ClinVar aggregate classification (germline): Uncertain significance (1 of 4 stars; one submission).

Submission:

Labcorp Genetics (formerly Invitae), Labcorp
Classification: Uncertain significance. Last evaluated: 2022-11-26. Review status: criteria provided, single submitter. Criteria: Invitae Variant Classification Sherloc (09022015). Collection method: clinical testing. Allele origin: germline.
Comment: This sequence change falls in intron 22 of the HYOU1 gene. It does not directly change the encoded amino acid sequence of the HYOU1 protein. This variant is not present in population databases (gnomAD no frequency). This variant has not been reported in the literature in individuals affected with HYOU1-related conditions. In summary, the available evidence is currently insufficient to determine the role of this variant in disease. Therefore, it has been classified as a Variant of Uncertain Significance.

NM_006389.5(HYOU1):c.2595+9T>C

Gene: HYOU1 (hypoxia up-regulated 1; minus strand). Cytogenetic location: 11q23.3.
Variant type: single nucleotide variant.
Coding change: c.2595+9T>C on transcript NM_006389.5 (MANE Select); 9 bases into the intron after coding-DNA position 2595, T replaced by C.
Molecular consequence: intron variant.
Genome position (GRCh38, 1-based): chr11:119,047,725, A>G on the plus strand (T>C on the coding strand, the complement: HYOU1 is on the minus strand). VCF-style: chr11-119047725-A-G. GRCh37 (hg19) VCF-style: chr11-118918437-A-G.
Other names: c.2595+9T>C (NM_001130991.3, NM_001411041.1).
Identifiers: ClinVar variation 2816785 (VCV002816785.3), dbSNP rs2497107117, ClinGen allele CA2575017377.